The following is an entry in ClinVar:

NM_000321.3(RB1):c.107A>G (p.Asp36Gly)

Gene: RB1 (RB transcriptional corepressor 1; plus strand). Cytogenetic location: 13q14.2.
Variant type: single nucleotide variant.
Coding change: c.107A>G on transcript NM_000321.3 (MANE Select); coding-DNA position 107, A replaced by G.
Protein change: p.Asp36Gly; replaces aspartic acid 36 with glycine.
Molecular consequence: missense variant.
Genome position (GRCh38, 1-based): chr13:48,304,019, A>G. VCF-style: chr13-48304019-A-G. GRCh37 (hg19) VCF-style: chr13-48878155-A-G.
Other names: short protein forms D36G.
Identifiers: ClinVar variation 1417583 (VCV001417583.8), dbSNP rs2138027852, ClinGen allele CA388250342.

ClinVar aggregate classification (germline): Uncertain significance (1 of 4 stars; one submission).

Conditions:
Retinoblastoma (RB1). Also called: RETINOBLASTOMA, SOMATIC. Identifiers: Orphanet 790, MedGen C0035335, MeSH D012175, MONDO:0008380, OMIM 180200, HP:0009919. Disease mechanism: loss of function. Inheritance: Both sporadic and heritable forms are tested..

Submission:

Labcorp Genetics (formerly Invitae), Labcorp
Classification: Uncertain significance for Retinoblastoma. Last evaluated: 2022-08-31. Review status: criteria provided, single submitter. Criteria: Invitae Variant Classification Sherloc (09022015). Collection method: clinical testing. Allele origin: germline.
Comment: In summary, the available evidence is currently insufficient to determine the role of this variant in disease. Therefore, it has been classified as a Variant of Uncertain Significance. Algorithms developed to predict the effect of missense changes on protein structure and function are either unavailable or do not agree on the potential impact of this missense change (SIFT: "Deleterious"; PolyPhen-2: "Benign"; Align-GVGD: "Class C0"). ClinVar contains an entry for this variant (Variation ID: 1417583). This variant has not been reported in the literature in individuals affected with RB1-related conditions. This variant is not present in population databases (gnomAD no frequency). This sequence change replaces aspartic acid, which is acidic and polar, with glycine, which is neutral and non-polar, at codon 36 of the RB1 protein (p.Asp36Gly).